The following is an entry in ClinVar:

ClinVar aggregate classification (germline): Uncertain significance (1 of 4 stars; one submission).

Submission:

Labcorp Genetics (formerly Invitae), Labcorp
Classification: Uncertain significance. Last evaluated: 2023-03-04. Review status: criteria provided, single submitter. Criteria: Invitae Variant Classification Sherloc (09022015). Collection method: clinical testing. Allele origin: germline.
Comment: In summary, the available evidence is currently insufficient to determine the role of this variant in disease. Therefore, it has been classified as a Variant of Uncertain Significance. This sequence change falls in intron 16 of the COL11A1 gene. It does not directly change the encoded amino acid sequence of the COL11A1 protein. It affects a nucleotide within the consensus splice site. This variant is not present in population databases (gnomAD no frequency). This variant has not been reported in the literature in individuals affected with COL11A1-related conditions. Variants that disrupt the consensus splice site are a relatively common cause of aberrant splicing (PMID: 17576681, 9536098). Algorithms developed to predict the effect of sequence changes on RNA splicing suggest that this variant may disrupt the consensus splice site.

Literature cited by the submitters: PubMed 17576681; PubMed 9536098.

NM_001854.4(COL11A1):c.1737+3A>T

Gene: COL11A1 (collagen type XI alpha 1 chain; minus strand). Cytogenetic location: 1p21.1.
Variant type: single nucleotide variant.
Coding change: c.1737+3A>T on transcript NM_001854.4 (MANE Select); 3 bases into the intron after coding-DNA position 1737, A replaced by T.
Molecular consequence: intron variant.
Genome position (GRCh38, 1-based): chr1:103,006,259, T>A on the plus strand (A>T on the coding strand, the complement: COL11A1 is on the minus strand). VCF-style: chr1-103006259-T-A. GRCh37 (hg19) VCF-style: chr1-103471815-T-A.
Other names: c.1620+3A>T (NM_001190709.2); c.1773+3A>T (NM_080629.3); c.1389+3A>T (NM_080630.4).
Identifiers: ClinVar variation 2832997 (VCV002832997.3), dbSNP rs2525408527, ClinGen allele CA2739275165.